The following is an entry in ClinVar:

NM_000222.3(KIT):c.1482C>A (p.Tyr494Ter)

Gene: KIT (KIT proto-oncogene, receptor tyrosine kinase; plus strand). Cytogenetic location: 4q12.
Variant type: single nucleotide variant.
Coding change: c.1482C>A on transcript NM_000222.3 (MANE Select); coding-DNA position 1482, C replaced by A.
Protein change: p.Tyr494Ter; replaces tyrosine 494 with a stop codon.
Molecular consequence: nonsense.
Genome position (GRCh38, 1-based): chr4:54,725,992, C>A. VCF-style: chr4-54725992-C-A. GRCh37 (hg19) VCF-style: chr4-55592158-C-A.
Other names: c.1482C>A, p.Tyr494Ter (NM_001093772.2, NM_001385285.1, NM_001385286.1); c.1485C>A, p.Tyr495Ter (NM_001385284.1, NM_001385288.1, NM_001385290.1 and 1 more transcripts); short protein forms Y494*, Y495*.
Identifiers: ClinVar variation 1451251 (VCV001451251.6), dbSNP rs771092774, ClinGen allele CA356906497.
Genomic context (GRCh38, chr4:54,725,992, plus strand): 5'-TCAGAGTTCTATAGATTCTAGTGCATTCAAGCACAATGGCACGGTTGAATGTAAGGCTTA[C>A]AACGATGTGGGCAAGACTTCTGCCTATTTTAACTTTGCATTTAAAGGTAACAACAAAGGT-3'

ClinVar aggregate classification (germline): Pathogenic (1 of 4 stars; one submission).

Conditions:
Gastrointestinal stromal tumor. Also called: Gastrointestinal stroma tumor; Gastrointestinal stromal tumor, somatic. Identifiers: Orphanet 44890, MedGen C0238198, MeSH D046152, MONDO:0011719, OMIM 606764, HP:0100723.

Submission:

Labcorp Genetics (formerly Invitae), Labcorp
Classification: Pathogenic for Gastrointestinal stromal tumor. Last evaluated: 2021-01-21. Review status: criteria provided, single submitter. Criteria: Invitae Variant Classification Sherloc (09022015). Collection method: clinical testing. Allele origin: germline.
Comment: This sequence change creates a premature translational stop signal (p.Tyr494*) in the KIT gene. It is expected to result in an absent or disrupted protein product. Loss-of-function variants in KIT are known to be pathogenic (PMID: 15194144). This variant is not present in population databases (ExAC no frequency). For these reasons, this variant has been classified as Pathogenic. This variant has not been reported in the literature in individuals with KIT-related conditions.

Literature cited by the submitters: PubMed 15194144.